The following is an entry in ClinVar:

ClinVar aggregate classification (germline): Pathogenic. Review status: reviewed by expert panel (3 of 4 stars). 6 submissions from 6 submitters: Pathogenic (1). 5 of the submissions do not count toward it. Last evaluated 2024-04-22.

Conditions:
RPE65-related recessive retinopathy. Also called: Recessive RPE65 retinopathy. Identifiers: MedGen CN305526, MONDO:0100368.
Retinitis pigmentosa 20 (RP20). Identifiers: Orphanet 791, MedGen C3151086, MONDO:0013425, OMIM 613794.
Leber congenital amaurosis 2 (LCA2). Also called: AMAUROSIS CONGENITA OF LEBER II; Autosomal Recessive RPE65-Related Retinal Degeneration. Identifiers: Orphanet 65, MedGen C1859844, MONDO:0008765, OMIM 204100. Disease mechanism: loss of function.
RPE65-related disorder. Also called: RPE65-related disorders; RPE65-related condition. Identifiers: MedGen CN239301.
Autosomal recessive retinitis pigmentosa. Identifiers: MedGen C0339526.

Allele frequency attached by ClinVar (database versions not stated): gnomAD exomes below 0.00001; ExAC 0.00001; TOPMed 0.00001.
gnomAD v4.1: 4 of 1,613,974 alleles (0.00025%); highest among the groups gnomAD compares: Admixed American, 0.0017%; no homozygotes.

Submissions (6):

ClinGen Leber Congenital Amaurosis/early Onset Retinal Dystrophy Variant Curation Expert Panel, ClinGen
Classification: Pathogenic for RPE65-related recessive retinopathy. Last evaluated: 2024-04-22. Review status: reviewed by expert panel. Criteria: ClinGen LCAeoRD ACMG Specifications RPE65 V1.0.0. Collection method: curation. Allele origin: germline. Inheritance: Autosomal recessive inheritance.
Comment: The NM_000329.3(RPE65):c.544C>T (p.His182Tyr) variant in RPE65 is a missense variant resulting in a substitution of histidine by tyrosine at codon 182. This variant is absent from gnomAD v2.1.1 (PM2_Supporting). This variant has been reported in at least 1 unrelated proband with early-onset severe retinal dystrophy who was homozygous for the variant (0.5 point, PMID: 27874104). This variant has also been reported in 2 unrelated probands with early-onset severe retinal dystrophy who were compound heterozygous with the NM_000329.3(RPE65):c.118G>A (p.Gly40Ser) confirmed in trans (2 points, PMID: 9501220, PMID: 27102010), which was previously classified as pathogenic by the ClinGen LCA / eoRD VCEP (2.5 total points, PM3_Strong). The variant has been reported to segregate with childhood-onset severe retinal dystrophy through the proband plus 2 similarly affected relatives, with the variant present in the homozygous state (PP1_Moderate; PMID: 27874104). This variant is a missense substitution at p.His182, which is located within the active site, a well-characterized functional domain required for enzymatic activity (PM1, PMID: 34492281). The variant exhibited approximately 10% enzymatic activity in a retinoid isomerase assay relative to the wildtype control, which meets the ClinGen LCA / eoRD PS3_Supporting threshold of ≤10% activity, indicating that it triggers a severe defect in protein function (PS3_Supporting, PMID: 16150724). The computational predictor REVEL gives a score of 0.912, which is above the ClinGen LCA / eoRD VCEP threshold of ≥ 0.773 and predicts a damaging effect on RPE65 function (PP3_Moderate). In summary, this variant meets the criteria to be classified as pathogenic for RPE65-related recessive retinopathy based on the ACMG/AMP criteria applied, as specified by the ClinGen LCA/eoRD VCEP: PM2_Supporting, PM3_Strong, PP1_Moderate, PM1, PS3_Supporting, PP3_Moderate. (VCEP specifications version 1.0.0; date of approval 09/21/2023).

Labcorp Genetics (formerly Invitae), Labcorp
Classification: Pathogenic for Leber congenital amaurosis 2; Retinitis pigmentosa 20. Last evaluated: 2025-07-31. Review status: criteria provided, single submitter. Criteria: Invitae Variant Classification Sherloc (09022015). Collection method: clinical testing. Allele origin: germline. Not counted in ClinVar's aggregate classification.
Comment: This sequence change replaces histidine, which is basic and polar, with tyrosine, which is neutral and polar, at codon 182 of the RPE65 protein (p.His182Tyr). This variant is present in population databases (rs61752884, gnomAD 0.01%). This missense change has been observed in individual(s) with autosomal recessive retinitis pigmentosa or Leber congenital amaurosis (PMID: 9501220, 27874104). In at least one individual the data is consistent with being in trans (on the opposite chromosome) from a pathogenic variant. It has also been observed to segregate with disease in related individuals. ClinVar contains an entry for this variant (Variation ID: 98875). Invitae Evidence Modeling of protein sequence and biophysical properties (such as structural, functional, and spatial information, amino acid conservation, physicochemical variation, residue mobility, and thermodynamic stability) indicates that this missense variant is expected to disrupt RPE65 protein function with a positive predictive value of 80%. Experimental studies have shown that this missense change affects RPE65 function (PMID: 16150724). For these reasons, this variant has been classified as Pathogenic.

Baylor Genetics
Classification: Pathogenic for Leber congenital amaurosis 2. Last evaluated: 2024-03-04. Review status: criteria provided, single submitter. Criteria: ACMG Guidelines, 2015. Collection method: clinical testing. Allele origin: unknown. Not counted in ClinVar's aggregate classification.

Blueprint Genetics
Classification: Pathogenic for RPE65-related disorders. Last evaluated: 2021-03-03. Review status: criteria provided, single submitter. Criteria: ACMG Guidelines, 2015. Collection method: clinical testing. Allele origin: germline. Affected: yes. Observed: 5 variant alleles. Not counted in ClinVar's aggregate classification.

Faculty of Health Sciences, Beirut Arab University
Classification: Pathogenic for Autosomal recessive Retinitis Pigmentosa. Last evaluated: 2016-11-22. Review status: no assertion criteria provided. Collection method: literature only. Allele origin: germline. Affected: yes. Observed: 3 variant alleles. Not counted in ClinVar's aggregate classification.

Retina International
No classification provided. Review status: no classification provided. Collection method: not provided. Allele origin: not provided. Not counted in ClinVar's aggregate classification.

Literature cited by the submitters: PubMed 9501220 (cited by Labcorp Genetics (formerly Invitae), Labcorp); PubMed 27874104 (cited by Labcorp Genetics (formerly Invitae), Labcorp and Faculty of Health Sciences, Beirut Arab University); PubMed 16150724 (cited by Labcorp Genetics (formerly Invitae), Labcorp).

NM_000329.3(RPE65):c.544C>T (p.His182Tyr)

Gene: RPE65 (retinoid isomerohydrolase RPE65; minus strand). Cytogenetic location: 1p31.3.
Variant type: single nucleotide variant.
Coding change: c.544C>T on transcript NM_000329.3 (MANE Select); coding-DNA position 544, C replaced by T.
Protein change: p.His182Tyr; replaces histidine 182 with tyrosine.
Molecular consequence: missense variant.
Genome position (GRCh38, 1-based): chr1:68,440,952, G>A on the plus strand (C>T on the coding strand, the complement: RPE65 is on the minus strand). VCF-style: chr1-68440952-G-A. GRCh37 (hg19) VCF-style: chr1-68906635-G-A.
Other names: NM_000329.3(RPE65):c.544C>T; short protein forms H182Y.
Identifiers: ClinVar variation 98875 (VCV000098875.13), dbSNP rs61752884, ClinGen allele CA226559.